The following is an entry in ClinVar:

ClinVar aggregate classification (germline): Uncertain significance. Review status: criteria provided, multiple submitters, no conflicts (2 of 4 stars). 3 submissions from 3 submitters: Uncertain significance (3). Last evaluated 2025-08-14.

Conditions:
Congenital myasthenic syndrome 8. Also called: MYASTHENIC SYNDROME, CONGENITAL, DUE TO AGRIN DEFICIENCY; Myasthenic syndrome, congenital, 8, with pre- and postsynaptic defects. Identifiers: Orphanet 590, MedGen C3808739, MONDO:0014052, OMIM 615120.
Inborn genetic diseases. Identifiers: MedGen C0950123, MeSH D030342.

Submissions (3):

Labcorp Genetics (formerly Invitae), Labcorp
Classification: Uncertain significance for Congenital myasthenic syndrome 8. Last evaluated: 2025-08-14. Review status: criteria provided, single submitter. Criteria: Invitae Variant Classification Sherloc (09022015). Collection method: clinical testing. Allele origin: germline.
Comment: This sequence change replaces serine, which is neutral and polar, with tryptophan, which is neutral and slightly polar, at codon 1469 of the AGRN protein (p.Ser1469Trp). This variant is present in population databases (no rsID available, gnomAD 0.0009%). This variant has not been reported in the literature in individuals affected with AGRN-related conditions. ClinVar contains an entry for this variant (Variation ID: 1398461). An algorithm developed to predict the effect of missense changes on protein structure and function (PolyPhen-2) suggests that this variant is likely to be disruptive. In summary, the available evidence is currently insufficient to determine the role of this variant in disease. Therefore, it has been classified as a Variant of Uncertain Significance.

Mayo Clinic Laboratories, Mayo Clinic
Classification: Uncertain significance. Last evaluated: 2025-08-02. Review status: criteria provided, single submitter. Criteria: ACMG Guidelines, 2015. Collection method: clinical testing. Allele origin: germline. Observed: 1 variant allele.
Comment: PM2_supporting

Ambry Genetics
Classification: Uncertain significance for Inborn genetic diseases. Last evaluated: 2025-03-19. Review status: criteria provided, single submitter. Criteria: Ambry Variant Classification Scheme 2023. Collection method: clinical testing. Allele origin: germline.

NM_198576.4(AGRN):c.4406C>G (p.Ser1469Trp)

Gene: AGRN (agrin; plus strand). Cytogenetic location: 1p36.33.
Variant type: single nucleotide variant.
Coding change: c.4406C>G on transcript NM_198576.4 (MANE Select); coding-DNA position 4406, C replaced by G.
Protein change: p.Ser1469Trp; replaces serine 1469 with tryptophan.
Molecular consequence: missense variant.
Genome position (GRCh38, 1-based): chr1:1,049,343, C>G. VCF-style: chr1-1049343-C-G. GRCh37 (hg19) VCF-style: chr1-984723-C-G.
Other names: p.Ser1469Trp; c.4406C>G (NM_198576.3); c.4406C>G, p.Ser1469Trp (NM_001305275.2); c.4091C>G, p.Ser1364Trp (NM_001364727.2); short protein forms S1364W, S1469W.
Identifiers: ClinVar variation 1398461 (VCV001398461.8), dbSNP rs200646795, ClinGen allele CA16700545.